The following is an entry in ClinVar:

ClinVar aggregate classification (germline): Uncertain significance (1 of 4 stars; one submission).

Conditions:
Familial thoracic aortic aneurysm and aortic dissection (TAAD). Also called: Thoracic aortic aneurysms and dissections. Identifiers: Orphanet 91387, MedGen C4707243, MONDO:0019625.

Submission:

Ambry Genetics
Classification: Uncertain significance for Familial thoracic aortic aneurysm and aortic dissection. Last evaluated: 2024-07-19. Review status: criteria provided, single submitter. Criteria: Ambry Variant Classification Scheme 2023. Collection method: clinical testing. Allele origin: germline.
Comment: The p.E1160Q variant (also known as c.3478G>C), located in coding exon 44 of the COL5A1 gene, results from a G to C substitution at nucleotide position 3478. The glutamic acid at codon 1160 is replaced by glutamine, an amino acid with highly similar properties. This amino acid position is highly conserved in available vertebrate species. In addition, the in silico prediction for this alteration is inconclusive. Based on the available evidence, the clinical significance of this variant remains unclear.

NM_000093.5(COL5A1):c.3478G>C (p.Glu1160Gln)

Gene: COL5A1 (collagen type V alpha 1 chain; plus strand). Cytogenetic location: 9q34.3.
Variant type: single nucleotide variant.
Coding change: c.3478G>C on transcript NM_000093.5 (MANE Select); coding-DNA position 3478, G replaced by C.
Protein change: p.Glu1160Gln; replaces glutamic acid 1160 with glutamine.
Molecular consequence: missense variant.
Genome position (GRCh38, 1-based): chr9:134,810,258, G>C. VCF-style: chr9-134810258-G-C. GRCh37 (hg19) VCF-style: chr9-137702104-G-C.
Other names: c.3478G>C, p.Glu1160Gln (NM_001278074.1); short protein forms E1160Q.
Identifiers: ClinVar variation 3495551 (VCV003495551.1).